The following is an entry in ClinVar:

ClinVar aggregate classification (germline): Uncertain significance. Review status: criteria provided, multiple submitters, no conflicts (2 of 4 stars). 2 submissions from 2 submitters: Uncertain significance (2). Last evaluated 2024-12-27.

Conditions:
Nephronophthisis 19 (NPHP19). Identifiers: Orphanet 84081, MedGen C4015542, MONDO:0014537, OMIM 616217.
Isolated neonatal sclerosing cholangitis (NSC). Also called: Sclerosing cholangitis, neonatal. Identifiers: Orphanet 480556, MedGen C4479344, MONDO:0018816, OMIM 617394.
Autosomal recessive nonsyndromic hearing loss 66 (DFNB66). Also called: Deafness, autosomal recessive 66. Identifiers: Orphanet 90636, MedGen C1857750, MONDO:0012442, OMIM 610212.

gnomAD v4.1: 14 of 1,613,386 alleles (0.00087%); highest among the groups gnomAD compares: Non-Finnish European, 0.0012%; no homozygotes.

Submissions (2):

GeneDx
Classification: Uncertain significance. Last evaluated: 2024-12-27. Review status: criteria provided, single submitter. Criteria: GeneDx Variant Classification Process June 2021. Collection method: clinical testing. Allele origin: germline. Affected: yes.
Comment: Not observed at significant frequency in large population cohorts (gnomAD); In silico analysis supports that this missense variant has a deleterious effect on protein structure/function; Has not been previously published as pathogenic or benign to our knowledge

Fulgent Genetics
Classification: Uncertain significance for Autosomal recessive nonsyndromic hearing loss 66; Nephronophthisis 19; Isolated neonatal sclerosing cholangitis. Last evaluated: 2024-06-03. Review status: criteria provided, single submitter. Criteria: ACMG Guidelines, 2015. Collection method: clinical testing. Allele origin: germline.

NM_016356.5(DCDC2):c.54C>A (p.Ser18Arg)

Genes: DCDC2 (doublecortin domain containing 2; minus strand), KAAG1 (kidney associated DCDC2 antisense RNA 1; plus strand). Cytogenetic location: 6p22.3.
Variant type: single nucleotide variant.
Coding change: c.54C>A on transcript NM_016356.5 (MANE Select); coding-DNA position 54, C replaced by A.
Protein change: p.Ser18Arg; replaces serine 18 with arginine.
Molecular consequence: missense variant. On other transcripts: non-coding transcript variant (1).
Genome position (GRCh38, 1-based): chr6:24,357,697, G>T on the plus strand (C>A on the coding strand, the complement: DCDC2 is on the minus strand). VCF-style: chr6-24357697-G-T. GRCh37 (hg19) VCF-style: chr6-24357925-G-T.
Other names: c.54C>A, p.Ser18Arg (NM_001195610.2); c.54C>A (NM_016356.4); short protein forms S18R.
Identifiers: ClinVar variation 3593434 (VCV003593434.2).